The following is an entry in ClinVar:

ClinVar aggregate classification (germline): Conflicting classifications of pathogenicity. Review status: criteria provided, conflicting classifications (1 of 4 stars). 3 submissions from 3 submitters: Uncertain significance (2); Likely benign (1). Last evaluated 2018-06-04.

Conditions:
Cardiovascular phenotype. Identifiers: MedGen CN230736.
Autosomal recessive limb-girdle muscular dystrophy type 2J (LGMDR10). Also called: Limb-girdle muscular dystrophy, type 2J; MUSCULAR DYSTROPHY, LIMB-GIRDLE, AUTOSOMAL RECESSIVE 10. Identifiers: Orphanet 140922, MedGen C1837342, MONDO:0012127, OMIM 608807.
Dilated cardiomyopathy 1G (CMD1G). Identifiers: Orphanet 154, MedGen C1858763, MONDO:0011400, OMIM 604145.

Allele frequency attached by ClinVar (database versions not stated): TOPMed below 0.00001; gnomAD 0.00001.
gnomAD v4.1: 7 of 1,613,602 alleles (0.00043%); highest among the groups gnomAD compares: African/African-American, 0.0013%; no homozygotes.

Submissions (3):

GeneDx
Classification: Likely benign. Last evaluated: 2018-06-04. Review status: criteria provided, single submitter. Criteria: GeneDx Variant Classification (06012015). Collection method: clinical testing. Allele origin: germline. Affected: yes.
Comment: This variant is considered likely benign or benign based on one or more of the following criteria: it is a conservative change, it occurs at a poorly conserved position in the protein, it is predicted to be benign by multiple in silico algorithms, and/or has population frequency not consistent with disease.

Ambry Genetics
Classification: Uncertain significance for Cardiovascular phenotype. Last evaluated: 2018-03-01. Review status: criteria provided, single submitter. Criteria: Ambry Variant Classification Scheme 2023. Collection method: clinical testing. Allele origin: germline.
Comment: The p.K18418R variant (also known as c.55253A>G), located in coding exon 153 of the TTN gene, results from an A to G substitution at nucleotide position 55253. The lysine at codon 18418 is replaced by arginine, an amino acid with highly similar properties. This amino acid position is highly conserved in available vertebrate species. In addition, this alteration is predicted to be tolerated by in silico analysis. Since supporting evidence is limited at this time, the clinical significance of this alteration remains unclear.

Labcorp Genetics (formerly Invitae), Labcorp
Classification: Uncertain significance for Dilated cardiomyopathy 1G; Autosomal recessive limb-girdle muscular dystrophy type 2J. Last evaluated: 2017-10-13. Review status: criteria provided, single submitter. Criteria: Invitae Variant Classification Sherloc (09022015). Collection method: clinical testing. Allele origin: germline.

NM_001267550.2(TTN):c.82448A>G (p.Lys27483Arg)

Genes: TTN (titin; minus strand), TTN-AS1 (TTN antisense RNA 1; plus strand). Cytogenetic location: 2q31.2.
Variant type: single nucleotide variant.
Coding change: c.82448A>G on transcript NM_001267550.2 (MANE Select); coding-DNA position 82448, A replaced by G.
Protein change: p.Lys27483Arg; replaces lysine 27483 with arginine.
Molecular consequence: missense variant.
Genome position (GRCh38, 1-based): chr2:178,563,684, T>C on the plus strand (A>G on the coding strand, the complement: TTN is on the minus strand). VCF-style: chr2-178563684-T-C. GRCh37 (hg19) VCF-style: chr2-179428411-T-C.
Other names: c.77525A>G, p.Lys25842Arg (NM_001256850.1); c.55253A>G, p.Lys18418Arg (NM_003319.4); c.74744A>G, p.Lys24915Arg (NM_133378.4); c.55628A>G, p.Lys18543Arg (NM_133432.3); c.55829A>G, p.Lys18610Arg (NM_133437.4); short protein forms K27483R, K18610R, K24915R, K25842R, K18418R, K18543R.
Identifiers: ClinVar variation 535127 (VCV000535127.6), dbSNP rs937111656, ClinGen allele CA60987026.